The following is an entry in ClinVar:

NM_020806.5(GPHN):c.1130T>A (p.Ile377Asn)

Gene: GPHN (gephyrin; plus strand). Cytogenetic location: 14q23.3.
Variant type: single nucleotide variant.
Coding change: c.1130T>A on transcript NM_020806.5 (MANE Select); coding-DNA position 1130, T replaced by A.
Protein change: p.Ile377Asn; replaces isoleucine 377 with asparagine.
Molecular consequence: missense variant.
Genome position (GRCh38, 1-based): chr14:67,058,772, T>A. VCF-style: chr14-67058772-T-A. GRCh37 (hg19) VCF-style: chr14-67525489-T-A.
Other names: c.1031T>A, p.Ile344Asn (NM_001024218.2); c.1190T>A, p.Ile397Asn (NM_001377514.1); c.1160T>A, p.Ile387Asn (NM_001377515.1); c.1151T>A, p.Ile384Asn (NM_001377516.1); c.1103T>A, p.Ile368Asn (NM_001377517.1); c.1088T>A, p.Ile363Asn (NM_001377518.1); c.1070T>A, p.Ile357Asn (NM_001377519.1); short protein forms I344N, I384N, I357N, I363N, I397N, I368N, I377N, I387N.
Identifiers: ClinVar variation 2770728 (VCV002770728.3), dbSNP rs2075704662, ClinGen allele CA390258526.

ClinVar aggregate classification (germline): Uncertain significance (1 of 4 stars; one submission).

Conditions:
Sulfite oxidase deficiency due to molybdenum cofactor deficiency type C. Also called: Molybdenum cofactor deficiency C; Molybdenum cofactor deficiency, complementation group C. Identifiers: Orphanet 308400, Orphanet 833, MedGen C1854990, MONDO:0014212, OMIM 615501.

Allele frequency attached by ClinVar (database versions not stated): TOPMed below 0.00001; gnomAD 0.00001.
gnomAD v4.1: 2 of 1,613,606 alleles (0.00012%); highest among the groups gnomAD compares: African/African-American, 0.0027%; no homozygotes.

Submission:

Labcorp Genetics (formerly Invitae), Labcorp
Classification: Uncertain significance for Sulfite oxidase deficiency due to molybdenum cofactor deficiency type C. Last evaluated: 2023-12-27. Review status: criteria provided, single submitter. Criteria: Invitae Variant Classification Sherloc (09022015). Collection method: clinical testing. Allele origin: germline.
Comment: This sequence change replaces isoleucine, which is neutral and non-polar, with asparagine, which is neutral and polar, at codon 377 of the GPHN protein (p.Ile377Asn). This variant is not present in population databases (gnomAD no frequency). This variant has not been reported in the literature in individuals affected with GPHN-related conditions. Advanced modeling of protein sequence and biophysical properties (such as structural, functional, and spatial information, amino acid conservation, physicochemical variation, residue mobility, and thermodynamic stability) performed at Invitae indicates that this missense variant is not expected to disrupt GPHN protein function with a negative predictive value of 80%. In summary, the available evidence is currently insufficient to determine the role of this variant in disease. Therefore, it has been classified as a Variant of Uncertain Significance.